The following is an entry in ClinVar:

ClinVar aggregate classification (germline): Uncertain significance (1 of 4 stars; one submission).

Allele frequency attached by ClinVar (database versions not stated): gnomAD exomes below 0.00001 and 0.00001; TOPMed below 0.00001.
gnomAD v4.1: 2 of 1,509,636 alleles (0.00013%); highest among the groups gnomAD compares: Non-Finnish European, 0.00018%; no homozygotes.

Submission:

Biesecker Lab/Clinical Genomics Section, National Institutes of Health
Classification: Uncertain significance. Last evaluated: 2013-06-24. Review status: criteria provided, single submitter. Criteria: Ng et al. (Circ Cardiovasc Genet. 2013). Collection method: research. Allele origin: unknown. Observed: 1 variant allele. Study: ClinSeq.
Comment: The study set was not selected for affection status in relation to any cancer. Pathogenicity categories were based on literature curation. See Pubmed ID:23861362 for details.

Medical sequencing

NM_001267550.2(TTN):c.100201A>G (p.Ile33401Val)

Genes: TTN (titin; minus strand), TTN-AS1 (TTN antisense RNA 1; plus strand), LOC126806420 (BRD4-independent group 4 enhancer GRCh37_chr2:179401104-179402303; plus strand). Cytogenetic location: 2q31.2.
Variant type: single nucleotide variant.
Coding change: c.100201A>G on transcript NM_001267550.2 (MANE Select); coding-DNA position 100201, A replaced by G.
Protein change: p.Ile33401Val; replaces isoleucine 33401 with valine.
Molecular consequence: missense variant.
Genome position (GRCh38, 1-based): chr2:178,536,546, T>C on the plus strand (A>G on the coding strand, the complement: TTN is on the minus strand). VCF-style: chr2-178536546-T-C. GRCh37 (hg19) VCF-style: chr2-179401273-T-C.
Other names: c.95278A>G, p.Ile31760Val (NM_001256850.1); c.73006A>G, p.Ile24336Val (NM_003319.4); c.92497A>G, p.Ile30833Val (NM_133378.4); c.73381A>G, p.Ile24461Val (NM_133432.3); c.73582A>G, p.Ile24528Val (NM_133437.4); short protein forms I30833V, I33401V, I24336V, I31760V, I24461V, I24528V.
Identifiers: ClinVar variation 191830 (VCV000191830.1), dbSNP rs786205294, ClinGen allele CA237653.